The following is an entry in ClinVar:

ClinVar aggregate classification (germline): Uncertain significance (1 of 4 stars; one submission).

Conditions:
Familial cancer of breast. Also called: Hereditary breast cancer; BREAST CANCER, FAMILIAL; hereditary breast carcinoma. Identifiers: Orphanet 227535, MedGen C0346153, MONDO:0016419, OMIM 114480. Disease mechanism: loss of function.

Submission:

Labcorp Genetics (formerly Invitae), Labcorp
Classification: Uncertain significance for Familial cancer of breast. Last evaluated: 2021-05-18. Review status: criteria provided, single submitter. Criteria: Invitae Variant Classification Sherloc (09022015). Collection method: clinical testing. Allele origin: germline.
Comment: In summary, the available evidence is currently insufficient to determine the role of this variant in disease. Therefore, it has been classified as a Variant of Uncertain Significance. Algorithms developed to predict the effect of missense changes on protein structure and function (SIFT, PolyPhen-2, Align-GVGD) all suggest that this variant is likely to be tolerated, but these predictions have not been confirmed by published functional studies and their clinical significance is uncertain. This variant has not been reported in the literature in individuals with BARD1-related conditions. This variant is not present in population databases (ExAC no frequency). This sequence change replaces cysteine with tyrosine at codon 743 of the BARD1 protein (p.Cys743Tyr). The cysteine residue is weakly conserved and there is a large physicochemical difference between cysteine and tyrosine.

NM_000465.4(BARD1):c.2228G>A (p.Cys743Tyr)

Gene: BARD1 (BRCA1 associated RING domain 1; minus strand). Cytogenetic location: 2q35.
Variant type: single nucleotide variant.
Coding change: c.2228G>A on transcript NM_000465.4 (MANE Select); coding-DNA position 2228, G replaced by A.
Protein change: p.Cys743Tyr; replaces cysteine 743 with tyrosine.
Molecular consequence: missense variant. On other transcripts: non-coding transcript variant (3).
Genome position (GRCh38, 1-based): chr2:214,728,782, C>T on the plus strand (G>A on the coding strand, the complement: BARD1 is on the minus strand). VCF-style: chr2-214728782-C-T. GRCh37 (hg19) VCF-style: chr2-215593506-C-T.
Other names: c.2171G>A, p.Cys724Tyr (NM_001282543.2); c.875G>A, p.Cys292Tyr (NM_001282545.2); c.818G>A, p.Cys273Tyr (NM_001282548.2); c.689G>A, p.Cys230Tyr (NM_001282549.2); short protein forms C743Y, C292Y, C230Y, C724Y, C273Y.
Identifiers: ClinVar variation 1362261 (VCV001362261.9), dbSNP rs1395245809, ClinGen allele CA350450101.